The following is an entry in ClinVar:

ClinVar aggregate classification (germline): Uncertain significance. Review status: criteria provided, multiple submitters, no conflicts (2 of 4 stars). 2 submissions from 2 submitters: Uncertain significance (2). Last evaluated 2023-12-05.

Conditions:
Hereditary cancer-predisposing syndrome. Also called: Hereditary neoplastic syndrome; Tumor predisposition; Hereditary Cancer Syndrome; Neoplastic Syndromes, Hereditary. Identifiers: Orphanet 140162, MedGen C0027672, MeSH D009386, MONDO:0015356.
Familial cancer of breast. Also called: Hereditary breast cancer; hereditary breast carcinoma; BREAST CANCER, FAMILIAL. Identifiers: Orphanet 227535, MedGen C0346153, MONDO:0016419, OMIM 114480. Disease mechanism: loss of function.

Submissions (2):

Color Diagnostics, LLC DBA Color Health
Classification: Uncertain significance for Hereditary cancer-predisposing syndrome. Last evaluated: 2023-12-05. Review status: criteria provided, single submitter. Criteria: ACMG Guidelines, 2015. Collection method: clinical testing. Allele origin: germline.
Comment: This missense variant replaces glutamine with histidine at codon 1091 of the PALB2 protein. Computational prediction suggests that this variant may not impact protein structure and function (internally defined REVEL score threshold <= 0.5, PMID: 27666373). To our knowledge, functional studies have not been reported for this variant. This variant has not been reported in individuals affected with PALB2-related disorders in the literature. This variant has not been identified in the general population by the Genome Aggregation Database (gnomAD). The available evidence is insufficient to determine the role of this variant in disease conclusively. Therefore, this variant is classified as a Variant of Uncertain Significance.

Labcorp Genetics (formerly Invitae), Labcorp
Classification: Uncertain significance for Familial cancer of breast. Last evaluated: 2021-11-01. Review status: criteria provided, single submitter. Criteria: Invitae Variant Classification Sherloc (09022015). Collection method: clinical testing. Allele origin: germline.
Comment: This variant is not present in population databases (gnomAD no frequency). Algorithms developed to predict the effect of missense changes on protein structure and function are either unavailable or do not agree on the potential impact of this missense change (SIFT: "Tolerated"; PolyPhen-2: "Possibly Damaging"; Align-GVGD: "Class C0"). ClinVar contains an entry for this variant (Variation ID: 492216). This variant has not been reported in the literature in individuals affected with PALB2-related conditions. This sequence change replaces glutamine, which is neutral and polar, with histidine, which is basic and polar, at codon 1091 of the PALB2 protein (p.Gln1091His). In summary, the available evidence is currently insufficient to determine the role of this variant in disease. Therefore, it has been classified as a Variant of Uncertain Significance.

NM_024675.4(PALB2):c.3273G>C (p.Gln1091His)

Gene: PALB2 (partner and localizer of BRCA2; minus strand). Cytogenetic location: 16p12.2.
Variant type: single nucleotide variant.
Coding change: c.3273G>C on transcript NM_024675.4 (MANE Select); coding-DNA position 3273, G replaced by C.
Protein change: p.Gln1091His; replaces glutamine 1091 with histidine.
Molecular consequence: missense variant.
Genome position (GRCh38, 1-based): chr16:23,607,941, C>G on the plus strand (G>C on the coding strand, the complement: PALB2 is on the minus strand). VCF-style: chr16-23607941-C-G. GRCh37 (hg19) VCF-style: chr16-23619262-C-G.
Other names: short protein forms Q1091H.
Identifiers: ClinVar variation 492216 (VCV000492216.12), dbSNP rs1555458200, ClinGen allele CA395139649.